The following is an entry in ClinVar:

NM_002693.3(POLG):c.3158C>T (p.Thr1053Ile)

Genes: POLG (DNA polymerase gamma, catalytic subunit; minus strand), POLGARF (POLG alternative reading frame; minus strand). Cytogenetic location: 15q26.1.
Variant type: single nucleotide variant.
Coding change: c.3158C>T on transcript NM_002693.3 (MANE Select); coding-DNA position 3158, C replaced by T.
Protein change: p.Thr1053Ile; replaces threonine 1053 with isoleucine.
Molecular consequence: missense variant.
Genome position (GRCh38, 1-based): chr15:89,319,046, G>A on the plus strand (C>T on the coding strand, the complement: POLG is on the minus strand). VCF-style: chr15-89319046-G-A. GRCh37 (hg19) VCF-style: chr15-89862277-G-A.
Other names: c.3158C>T, p.Thr1053Ile (NM_001126131.2); short protein forms T1053I.
Identifiers: ClinVar variation 1700270 (VCV001700270.2), dbSNP rs375268845, ClinGen allele CA393750961.

ClinVar aggregate classification (germline): Uncertain significance (1 of 4 stars; one submission).

gnomAD v4.1: 1 of 1,614,078 alleles (0.000062%); highest among the groups gnomAD compares: Non-Finnish European, 0.000085%; no homozygotes.

Submission:

GeneDx
Classification: Uncertain significance. Last evaluated: 2022-02-08. Review status: criteria provided, single submitter. Criteria: GeneDx Variant Classification Process June 2021. Collection method: clinical testing. Allele origin: germline. Affected: yes.
Comment: Not observed at significant frequency in large population cohorts (gnomAD); In silico analysis supports that this missense variant has a deleterious effect on protein structure/function; Has not been previously published as pathogenic or benign to our knowledge